The following is an entry in ClinVar:

ClinVar aggregate classification (germline): Uncertain significance (1 of 4 stars; one submission).

Conditions:
Autoimmune lymphoproliferative syndrome type 2A (ALPS2A). Also called: CASP10-Related Autoimmune Lymphoproliferative Syndrome; AUTOIMMUNE LYMPHOPROLIFERATIVE SYNDROME, TYPE IIA; Autoimmune lymphoproliferative syndrome type 2. Identifiers: Orphanet 3261, MedGen C1858968, MONDO:0011383, OMIM 603909.

Submission:

Labcorp Genetics (formerly Invitae), Labcorp
Classification: Uncertain significance for Autoimmune lymphoproliferative syndrome type 2A. Last evaluated: 2019-07-08. Review status: criteria provided, single submitter. Criteria: Invitae Variant Classification Sherloc (09022015). Collection method: clinical testing. Allele origin: germline.
Comment: This variant has not been reported in the literature in individuals with CASP10-related conditions. In summary, the available evidence is currently insufficient to determine the role of this variant in disease. Therefore, it has been classified as a Variant of Uncertain Significance. Algorithms developed to predict the effect of missense changes on protein structure and function are either unavailable or do not agree on the potential impact of this missense change (SIFT: "Tolerated"; PolyPhen-2: "Possibly Damaging"; Align-GVGD: "Class C0"). This sequence change replaces serine with tyrosine at codon 409 of the CASP10 protein (p.Ser409Tyr). The serine residue is weakly conserved and there is a large physicochemical difference between serine and tyrosine. This variant is not present in population databases (ExAC no frequency).

NM_032977.4(CASP10):c.1226C>A (p.Ser409Tyr)

Gene: CASP10 (caspase 10; plus strand). Cytogenetic location: 2q33.1.
Variant type: single nucleotide variant.
Coding change: c.1226C>A on transcript NM_032977.4 (MANE Select); coding-DNA position 1226, C replaced by A.
Protein change: p.Ser409Tyr; replaces serine 409 with tyrosine.
Molecular consequence: missense variant. On other transcripts: 3 prime UTR variant (1).
Genome position (GRCh38, 1-based): chr2:201,209,373, C>A. VCF-style: chr2-201209373-C-A. GRCh37 (hg19) VCF-style: chr2-202074096-C-A.
Other names: c.1025C>A, p.Ser342Tyr (NM_001206524.2); c.1097C>A, p.Ser366Tyr (NM_001206542.2, NM_001230.5); c.1226C>A, p.Ser409Tyr (NM_032974.5); c.*312C>A (NM_032976.4); short protein forms S342Y, S409Y, S366Y.
Identifiers: ClinVar variation 947840 (VCV000947840.12), dbSNP rs1409279830, ClinGen allele CA350292157.